The following is an entry in ClinVar:

NM_000455.5(STK11):c.144G>A (p.Lys48=)

Gene: STK11 (serine/threonine kinase 11; plus strand). Cytogenetic location: 19p13.3.
Variant type: single nucleotide variant.
Coding change: c.144G>A on transcript NM_000455.5 (MANE Select); coding-DNA position 144, G replaced by A.
Protein change: p.Lys48=; no amino-acid change (lysine 48 retained).
Molecular consequence: synonymous variant.
Genome position (GRCh38, 1-based): chr19:1,207,057, G>A. VCF-style: chr19-1207057-G-A. GRCh37 (hg19) VCF-style: chr19-1207056-G-A.
Identifiers: ClinVar variation 480719 (VCV000480719.6), dbSNP rs1555734974, ClinGen allele CA504706158.

ClinVar aggregate classification (germline): Benign/Likely benign. Review status: criteria provided, multiple submitters, no conflicts (2 of 4 stars). 2 submissions from 2 submitters: Benign (1); Likely benign (1). Last evaluated 2025-03-25.

Conditions:
Hereditary cancer-predisposing syndrome. Also called: Hereditary neoplastic syndrome; Neoplastic Syndromes, Hereditary; Tumor predisposition; Hereditary Cancer Syndrome. Identifiers: Orphanet 140162, MedGen C0027672, MeSH D009386, MONDO:0015356.
Peutz-Jeghers syndrome (PJS). Also called: POLYPOSIS, HAMARTOMATOUS INTESTINAL; POLYPS-AND-SPOTS SYNDROME; Peutz-Jeghers polyposis; Periorificial lentiginosis syndrome. Identifiers: Orphanet 2869, MedGen C0031269, MeSH D010580, MONDO:0008280, OMIM 175200.

gnomAD v4.1: 2 of 1,613,952 alleles (0.00012%); highest among the groups gnomAD compares: African/African-American, 0.0013%; no homozygotes.

Submissions (2):

Myriad Genetics, Inc.
Classification: Benign for Peutz-Jeghers syndrome. Last evaluated: 2025-03-25. Review status: criteria provided, single submitter. Criteria: Myriad Autosomal Dominant, Autosomal Recessive and X-Linked Classification Criteria (2023). Collection method: clinical testing. Allele origin: unknown.
Comment: This variant is considered benign. This variant is a silent/synonymous amino acid change and it is not expected to impact splicing.

Ambry Genetics
Classification: Likely benign for Hereditary cancer-predisposing syndrome. Last evaluated: 2016-09-16. Review status: criteria provided, single submitter. Criteria: Ambry Variant Classification Scheme 2023. Collection method: clinical testing. Allele origin: germline.